The following is an entry in ClinVar:

NM_001001557.4(GDF6):c.743G>T (p.Arg248Leu)

Gene: GDF6 (growth differentiation factor 6; minus strand). Cytogenetic location: 8q22.1.
Variant type: single nucleotide variant.
Coding change: c.743G>T on transcript NM_001001557.4 (MANE Select); coding-DNA position 743, G replaced by T.
Protein change: p.Arg248Leu; replaces arginine 248 with leucine.
Molecular consequence: missense variant.
Genome position (GRCh38, 1-based): chr8:96,145,188, C>A on the plus strand (G>T on the coding strand, the complement: GDF6 is on the minus strand). VCF-style: chr8-96145188-C-A. GRCh37 (hg19) VCF-style: chr8-97157416-C-A.
Other names: short protein forms R248L.
Identifiers: ClinVar variation 913678 (VCV000913678.9), dbSNP rs765707228, ClinGen allele CA4815417.

ClinVar aggregate classification (germline): Uncertain significance. Review status: criteria provided, multiple submitters, no conflicts (2 of 4 stars). 2 submissions from 2 submitters: Uncertain significance (2). Last evaluated 2025-12-20.

Conditions:
Microphthalmia, isolated, with coloboma 6 (MCOPCB6). Also called: Microphthalmia with coloboma 6, digenic; Microphthalmia with coloboma 6; MICROPHTHALMIA/COLOBOMA 6. Identifiers: Orphanet 98938, MedGen C3150968, MONDO:0013376, OMIM 613703.
Klippel-Feil syndrome 1, autosomal dominant (KFS1). Also called: CERVICAL VERTEBRAL FUSION, AUTOSOMAL DOMINANT. Identifiers: Orphanet 2345, MedGen C1861689, MONDO:0007306, OMIM 118100.
Isolated microphthalmia 4. Identifiers: Orphanet 2542, MedGen C2751307, MONDO:0013130, OMIM 613094.
Leber congenital amaurosis 17 (LCA17). Identifiers: Orphanet 65, MedGen C3715164, MONDO:0014145, OMIM 615360.

Allele frequency attached by ClinVar (database versions not stated): gnomAD 0.00001; ExAC below 0.00001; gnomAD exomes 0.00001; TOPMed 0.00001.
gnomAD v4.1: 14 of 1,496,746 alleles (0.00094%); highest among the groups gnomAD compares: Admixed American, 0.0021%; no homozygotes.

Submissions (2):

Labcorp Genetics (formerly Invitae), Labcorp
Classification: Uncertain significance for Isolated microphthalmia 4; Leber congenital amaurosis 17; Klippel-Feil syndrome 1, autosomal dominant; Microphthalmia, isolated, with coloboma 6. Last evaluated: 2025-12-20. Review status: criteria provided, single submitter. Criteria: Invitae Variant Classification Sherloc (09022015). Collection method: clinical testing. Allele origin: germline.
Comment: This sequence change replaces arginine, which is basic and polar, with leucine, which is neutral and non-polar, at codon 248 of the GDF6 protein (p.Arg248Leu). This variant is present in population databases (rs765707228, gnomAD 0.002%). This variant has not been reported in the literature in individuals affected with GDF6-related conditions. ClinVar contains an entry for this variant (Variation ID: 913678). An algorithm developed to predict the effect of missense changes on protein structure and function outputs the following: PolyPhen-2: "Benign". The leucine amino acid residue is found in multiple mammalian species, which suggests that this missense change does not adversely affect protein function. In summary, the available evidence is currently insufficient to determine the role of this variant in disease. Therefore, it has been classified as a Variant of Uncertain Significance.

Illumina Laboratory Services, Illumina
Classification: Uncertain significance for Klippel-Feil syndrome 1, autosomal dominant. Last evaluated: 2018-01-13. Review status: criteria provided, single submitter. Criteria: ICSL Variant Classification Criteria 13 December 2019. Collection method: clinical testing. Allele origin: germline.